The following is an entry in ClinVar:

ClinVar aggregate classification (germline): Pathogenic (1 of 4 stars; one submission).

Conditions:
Nemaline myopathy 2 (NEM2). Also called: Nemaline myopathy 2, autosomal recessive. Identifiers: MedGen C1850569, MONDO:0009725, OMIM 256030.

Submission:

Myriad Genetics, Inc.
Classification: Pathogenic for Nemaline myopathy 2. Last evaluated: 2023-12-15. Review status: criteria provided, single submitter. Criteria: Myriad Autosomal Dominant, Autosomal Recessive and X-Linked Classification Criteria (2023). Collection method: clinical testing. Allele origin: unknown.
Comment: NM_001271208.1(NEB):c.19768dupG(D6590Gfs*23) is expected to be pathogenic in the context of NEB-related nemaline myopathy. This variant is predicted to lead to an abnormal or absent protein product due to the creation of a premature termination codon in NEB, a gene where loss-of-function variants are known to be pathogenic. Please note: this variant was assessed in the context of healthy population screening.

NM_001164508.2(NEB):c.19768dup (p.Asp6590fs)

Gene: NEB (nebulin; minus strand). Cytogenetic location: 2q23.3.
Variant type: Duplication.
Coding change: c.19768dup on transcript NM_001164508.2 (MANE Select); coding-DNA position 19768, one base duplicated (G; older notation c.19768dupG).
Protein change: p.Asp6590fs; shifts the reading frame from aspartic acid 6590.
Molecular consequence: frameshift variant.
Genome position (GRCh38, 1-based): chr2:151,552,740, C duplicated on the plus strand (G on the coding strand, the reverse complement: NEB is on the minus strand). VCF-style (leftmost placement, unchanged base first): chr2-151552739-T-TC. GRCh37 (hg19) VCF-style: chr2-152409253-T-TC.
Other names: c.19768dup, p.Asp6590fs (NM_001164507.2, NM_001271208.2); c.14665dup, p.Asp4889fs (NM_004543.5); short protein forms D4889fs, D6590fs.
Identifiers: ClinVar variation 5012579 (VCV005012579.1).